The following is an entry in ClinVar:

ClinVar aggregate classification (germline): Conflicting classifications of pathogenicity. Review status: criteria provided, conflicting classifications (1 of 4 stars). 10 submissions from 9 submitters: Uncertain significance (2); Benign (1); Likely benign (4). 3 of the submissions do not count toward it. Last evaluated 2025-12-20.

Conditions:
Hereditary cancer-predisposing syndrome. Also called: Neoplastic Syndromes, Hereditary; Tumor predisposition; Hereditary neoplastic syndrome; Hereditary Cancer Syndrome. Identifiers: Orphanet 140162, MedGen C0027672, MeSH D009386, MONDO:0015356.
Hereditary breast ovarian cancer syndrome. Also called: Hereditary breast and ovarian cancer syndrome; Hereditary breast and ovarian cancer; Hereditary breast and ovarian cancer syndrome (HBOC); Breast and ovarian cancer; Hereditary breast and/or ovarian cancer syndrome; BRCA1- and BRCA2-Associated Hereditary Breast and Ovarian Cancer. Identifiers: Orphanet 145, MedGen C0677776, MeSH D061325, MONDO:0003582. Disease mechanism: loss of function.
Fanconi anemia complementation group D1. Also called: BRCA2-Related Fanconi Anemia. Identifiers: Orphanet 319462, MedGen C1838457, MONDO:0011584, OMIM 605724.
BRCA2-related disorder. Also called: BRCA2-related condition; BRCA2-related disorders. Identifiers: MedGen CN239275.
Breast-ovarian cancer, familial, susceptibility to, 2 (BROVCA2). Also called: BRCA2 Hereditary Breast and Ovarian Cancer. Identifiers: Orphanet 145, MedGen C2675520, MONDO:0012933, OMIM 612555. Disease mechanism: loss of function.

Allele frequency attached by ClinVar (database versions not stated): gnomAD exomes below 0.00001 and 0.00001; ExAC 0.00001; TOPMed 0.00001.
gnomAD v4.1: 4 of 1,613,266 alleles (0.00025%); highest among the groups gnomAD compares: South Asian, 0.0011%; no homozygotes.

Submissions (10):

Labcorp Genetics (formerly Invitae), Labcorp
Classification: Benign for Hereditary breast ovarian cancer syndrome. Last evaluated: 2025-12-20. Review status: criteria provided, single submitter. Criteria: Invitae Variant Classification Sherloc (09022015). Collection method: clinical testing. Allele origin: germline.

Quest Diagnostics Nichols Institute San Juan Capistrano
Classification: Likely benign. Last evaluated: 2025-10-06. Review status: criteria provided, single submitter. Criteria: Quest Diagnostics criteria. Collection method: clinical testing. Allele origin: unknown.

Women's Health and Genetics/Laboratory Corporation of America, LabCorp
Classification: Likely benign. Last evaluated: 2022-08-04. Review status: criteria provided, single submitter. Criteria: LabCorp Variant Classification Summary - May 2015. Collection method: clinical testing. Allele origin: germline.
Comment: Variant summary: BRCA2 c.7435+10G>A alters a non-conserved nucleotide located close to a canonical splice site and therefore could affect mRNA splicing, leading to a significantly altered protein sequence. 4/4 computational tools predict no significant impact on normal splicing and at least one study has provided experimental evidence demonstrating that the variant has no impact on splicing (e.g.Fraile-Bethencourt_2019). The variant allele was found at a frequency of 4e-06 in 249908 control chromosomes (gnomAD). The available data on variant occurrences in the general population are insufficient to allow any conclusion about variant significance. c.7435+10G>A has been reported in the literature in at least one individual from a cohort of breast and ovarian cancer patients, without strong evidence for causality (e.g.Santonocito_2020). This report does not provide unequivocal conclusions about association of the variant with Hereditary Breast And Ovarian Cancer Syndrome. At least one co-occurrence with a pathogenic variant has been reported in the UMD database (BRCA1 c.798_799delTT, p.Ser267LysfsX19), providing supporting evidence for a benign role. Six submitters have provided clinical-significance assessments for this variant to ClinVar after 2014. Four classified the variant as benign (n=2)/likely benign (n=2) and two classified the variant as VUS. Based on the evidence outlined above, the variant was classified as likely benign.

Illumina Laboratory Services, Illumina
Classification: Uncertain significance for Breast-ovarian cancer, familial, susceptibility to, 2. Last evaluated: 2018-01-12. Review status: criteria provided, single submitter. Criteria: ICSL Variant Classification Criteria 13 December 2019. Collection method: clinical testing. Allele origin: germline.

Illumina Laboratory Services, Illumina
Classification: Uncertain significance for Fanconi anemia complementation group D1. Last evaluated: 2018-01-12. Review status: criteria provided, single submitter. Criteria: ICSL Variant Classification Criteria 13 December 2019. Collection method: clinical testing. Allele origin: germline.

Color Diagnostics, LLC DBA Color Health
Classification: Likely benign for Hereditary cancer-predisposing syndrome. Last evaluated: 2017-01-30. Review status: criteria provided, single submitter. Criteria: ACMG Guidelines, 2015. Collection method: clinical testing. Allele origin: germline.

GeneDx
Classification: Likely benign. Last evaluated: 2016-09-30. Review status: criteria provided, single submitter. Criteria: GeneDx Variant Classification (06012015). Collection method: clinical testing. Allele origin: germline. Affected: yes.
Comment: This variant is considered likely benign or benign based on one or more of the following criteria: it is a conservative change, it occurs at a poorly conserved position in the protein, it is predicted to be benign by multiple in silico algorithms, and/or has population frequency not consistent with disease.

Institute for Biomarker Research, Medical Diagnostic Laboratories, L.L.C.
Classification: Uncertain significance for Hereditary breast ovarian cancer syndrome. Last evaluated: 2021-09-03. Review status: no assertion criteria provided. Collection method: clinical testing. Allele origin: germline. Not counted in ClinVar's aggregate classification.
Comment: intron variant

PreventionGenetics, part of Exact Sciences
Classification: Likely benign for BRCA2-related condition. Last evaluated: 2020-01-13. Review status: no assertion criteria provided. Collection method: clinical testing. Allele origin: germline. Not counted in ClinVar's aggregate classification.
Comment: This variant is classified as likely benign based on ACMG/AMP sequence variant interpretation guidelines (Richards et al. 2015 PMID: 25741868, with internal and published modifications).

Breast Cancer Information Core (BIC) (BRCA2)
Classification: Uncertain significance for Breast-ovarian cancer, familial 2. Last evaluated: 2004-02-20. Review status: no assertion criteria provided. Collection method: clinical testing. Allele origin: germline. Affected: yes. Observed: 1 variant allele. Not counted in ClinVar's aggregate classification.

Literature cited by the submitters: PubMed 32438681 (cited by Quest Diagnostics Nichols Institute San Juan Capistrano and Women's Health and Genetics/Laboratory Corporation of America, LabCorp); PubMed 31131967 (cited by Quest Diagnostics Nichols Institute San Juan Capistrano); PubMed 31191615 (cited by Quest Diagnostics Nichols Institute San Juan Capistrano and Women's Health and Genetics/Laboratory Corporation of America, LabCorp); PubMed 39402389 (cited by Quest Diagnostics Nichols Institute San Juan Capistrano).

NM_000059.4(BRCA2):c.7435+10G>A

Gene: BRCA2 (BRCA2 DNA repair associated; plus strand). Cytogenetic location: 13q13.1.
Variant type: single nucleotide variant.
Coding change: c.7435+10G>A on transcript NM_000059.4 (MANE Select); 10 bases into the intron after coding-DNA position 7435, G replaced by A.
Genome position (GRCh38, 1-based): chr13:32,355,298, G>A. VCF-style: chr13-32355298-G-A. GRCh37 (hg19) VCF-style: chr13-32929435-G-A.
Other names: IVS14+10G>A; c.7435+10G>A (LRG_293t1).
Identifiers: ClinVar variation 52327 (VCV000052327.24), dbSNP rs81002793, ClinGen allele CA025078.
Genomic context (GRCh38, chr13:32,355,298, plus strand): 5'-CCAATCAAGCAGTAGCTGTAACTTTCACAAAGTGTGAAGAAGAACCTTTAGGTATTGTAT[G>A]ACAATTTGTGTGATGAATTTTTGCCTTTCAGTTAGATATTTCCGTTGTTAAATAATGTCC-3'